The following is an entry in ClinVar:

ClinVar aggregate classification (germline): Conflicting classifications of pathogenicity. Review status: criteria provided, conflicting classifications (1 of 4 stars). 4 submissions from 4 submitters: Uncertain significance (1); Likely benign (3). Last evaluated 2023-06-28.

Conditions:
Long QT syndrome (LQTS). Identifiers: MedGen C0023976, MeSH D008133, MONDO:0002442. Disease mechanism: loss of function. Inheritance: Various modes of inheritance.

Submissions (4):

Blueprint Genetics
Classification: Likely benign. Last evaluated: 2023-06-28. Review status: criteria provided, single submitter. Criteria: ACMG Guidelines, 2015. Collection method: clinical testing. Allele origin: germline.

CeGaT Center for Human Genetics Tuebingen
Classification: Likely benign. Last evaluated: 2023-01-01. Review status: criteria provided, single submitter. Criteria: CeGaT Center For Human Genetics Tuebingen Variant Classification Criteria Version 2. Collection method: clinical testing. Allele origin: germline. Affected: yes. Observed: 1 variant allele.
Comment: CAV3: PM2:Supporting, BP4, BP7

Labcorp Genetics (formerly Invitae), Labcorp
Classification: Likely benign for Long QT syndrome. Last evaluated: 2020-08-30. Review status: criteria provided, single submitter. Criteria: Invitae Variant Classification Sherloc (09022015). Collection method: clinical testing. Allele origin: germline.

Eurofins Ntd Llc (ga)
Classification: Uncertain significance. Last evaluated: 2014-12-11. Review status: criteria provided, single submitter. Criteria: EGL Classification Definitions 2015. Collection method: clinical testing. Allele origin: germline. Observed: 1 variant allele, 1 heterozygote.

NM_033337.3(CAV3):c.312G>A (p.Val104=)

Genes: CAV3 (caveolin 3; plus strand), OXTR (oxytocin receptor; minus strand). Cytogenetic location: 3p25.3.
Variant type: single nucleotide variant.
Coding change: c.312G>A on transcript NM_033337.3 (MANE Select); coding-DNA position 312, G replaced by A.
Protein change: p.Val104=; no amino-acid change (valine 104 retained).
Molecular consequence: synonymous variant.
Genome position (GRCh38, 1-based): chr3:8,745,723, G>A. VCF-style: chr3-8745723-G-A. GRCh37 (hg19) VCF-style: chr3-8787409-G-A.
Other names: c.312G>A, p.Val104= (NM_001234.5).
Identifiers: ClinVar variation 195395 (VCV000195395.37), dbSNP rs794727305, ClinGen allele CA241819.